The following is an entry in ClinVar:

NM_207111.4(RNF216):c.710C>T (p.Ser237Phe)

Gene: RNF216 (ring finger protein 216; minus strand). Cytogenetic location: 7p22.1.
Variant type: single nucleotide variant.
Coding change: c.710C>T on transcript NM_207111.4 (MANE Select); coding-DNA position 710, C replaced by T.
Protein change: p.Ser237Phe; replaces serine 237 with phenylalanine.
Molecular consequence: missense variant.
Genome position (GRCh38, 1-based): chr7:5,741,307, G>A on the plus strand (C>T on the coding strand, the complement: RNF216 is on the minus strand). VCF-style: chr7-5741307-G-A. GRCh37 (hg19) VCF-style: chr7-5780938-G-A.
Other names: c.539C>T, p.Ser180Phe (NM_001377156.1, NM_207116.3); c.710C>T (NM_207111.3); short protein forms S237F, S180F.
Identifiers: ClinVar variation 2037455 (VCV002037455.3), dbSNP rs373222000, ClinGen allele CA4148473.

ClinVar aggregate classification (germline): Uncertain significance. Review status: criteria provided, multiple submitters, no conflicts (2 of 4 stars). 2 submissions from 2 submitters: Uncertain significance (2). Last evaluated 2023-05-23.

Conditions:
Inborn genetic diseases. Identifiers: MedGen C0950123, MeSH D030342.

Allele frequency attached by ClinVar (database versions not stated): gnomAD 0.00001; TOPMed 0.00001; ExAC 0.00002.
gnomAD v4.1: 12 of 1,613,932 alleles (0.00074%); highest among the groups gnomAD compares: Admixed American, 0.017%; no homozygotes.

Submissions (2):

Ambry Genetics
Classification: Uncertain significance for Inborn genetic diseases. Last evaluated: 2023-05-23. Review status: criteria provided, single submitter. Criteria: Ambry Variant Classification Scheme 2023. Collection method: clinical testing. Allele origin: germline.

Labcorp Genetics (formerly Invitae), Labcorp
Classification: Uncertain significance. Last evaluated: 2021-08-12. Review status: criteria provided, single submitter. Criteria: Invitae Variant Classification Sherloc (09022015). Collection method: clinical testing. Allele origin: germline.
Comment: This sequence change replaces serine with phenylalanine at codon 237 of the RNF216 protein (p.Ser237Phe). The serine residue is moderately conserved and there is a large physicochemical difference between serine and phenylalanine. This variant is present in population databases (rs373222000, ExAC 0.03%). This variant has not been reported in the literature in individuals affected with RNF216-related conditions. Algorithms developed to predict the effect of missense changes on protein structure and function are either unavailable or do not agree on the potential impact of this missense change (SIFT: "Tolerated"; PolyPhen-2: "Possibly Damaging"; Align-GVGD: "Class C0"). In summary, the available evidence is currently insufficient to determine the role of this variant in disease. Therefore, it has been classified as a Variant of Uncertain Significance.